The following is an entry in ClinVar:

NM_000090.4(COL3A1):c.95G>A (p.Cys32Tyr)

Gene: COL3A1 (collagen type III alpha 1 chain; plus strand). Cytogenetic location: 2q32.2.
Variant type: single nucleotide variant.
Coding change: c.95G>A on transcript NM_000090.4 (MANE Select); coding-DNA position 95, G replaced by A.
Protein change: p.Cys32Tyr; replaces cysteine 32 with tyrosine.
Molecular consequence: missense variant.
Genome position (GRCh38, 1-based): chr2:188,984,775, G>A. VCF-style: chr2-188984775-G-A. GRCh37 (hg19) VCF-style: chr2-189849501-G-A.
Other names: short protein forms C32Y.
Identifiers: ClinVar variation 1305508 (VCV001305508.2), dbSNP rs2153501342, ClinGen allele CA349846823.

ClinVar aggregate classification (germline): Uncertain significance (1 of 4 stars; one submission).

Submission:

GeneDx
Classification: Uncertain significance. Last evaluated: 2019-05-09. Review status: criteria provided, single submitter. Criteria: GeneDx Variant Classification Process June 2021. Collection method: clinical testing. Allele origin: germline. Affected: yes.
Comment: Not observed in large population cohorts (Lek et al., 2016); In silico analysis, which includes protein predictors and evolutionary conservation, supports a deleterious effect; Has not been previously published as pathogenic or benign to our knowledge